The following is an entry in ClinVar:

ClinVar aggregate classification (germline): Uncertain significance (1 of 4 stars; one submission).

gnomAD v4.1: 1 of 1,585,734 alleles (0.000063%); highest among the groups gnomAD compares: East Asian, 0.0024%; no homozygotes.

Submission:

GeneDx
Classification: Uncertain significance. Last evaluated: 2025-05-01. Review status: criteria provided, single submitter. Criteria: GeneDx Variant Classification Process June 2021. Collection method: clinical testing. Allele origin: germline. Affected: yes.
Comment: Not observed at significant frequency in large population cohorts (gnomAD); In silico analysis supports that this missense variant has a deleterious effect on protein structure/function; Has not been previously published as pathogenic or benign to our knowledge

NM_020706.2(SCAF4):c.19T>C (p.Phe7Leu)

Genes: SCAF4 (SR-related CTD associated factor 4; minus strand), LOC130066536 (ATAC-STARR-seq lymphoblastoid silent region 13243; plus strand). Cytogenetic location: 21q22.11.
Variant type: single nucleotide variant.
Coding change: c.19T>C on transcript NM_020706.2 (MANE Select); coding-DNA position 19, T replaced by C.
Protein change: p.Phe7Leu; replaces phenylalanine 7 with leucine.
Molecular consequence: missense variant.
Genome position (GRCh38, 1-based): chr21:31,731,674, A>G on the plus strand (T>C on the coding strand, the complement: SCAF4 is on the minus strand). VCF-style: chr21-31731674-A-G. GRCh37 (hg19) VCF-style: chr21-33103987-A-G.
Other names: c.19T>C, p.Phe7Leu (NM_001145445.1, NM_001145444.1); short protein forms F7L.
Identifiers: ClinVar variation 4527652 (VCV004527652.1).